The following is an entry in ClinVar:

ClinVar aggregate classification (germline): Uncertain significance (1 of 4 stars; one submission).

gnomAD v4.1: 11 of 1,614,054 alleles (0.00068%); highest among the groups gnomAD compares: Non-Finnish European, 0.00093%; no homozygotes.

Submission:

Labcorp Genetics (formerly Invitae), Labcorp
Classification: Uncertain significance. Last evaluated: 2024-11-19. Review status: criteria provided, single submitter. Criteria: Invitae Variant Classification Sherloc (09022015). Collection method: clinical testing. Allele origin: germline.
Comment: This sequence change replaces valine, which is neutral and non-polar, with methionine, which is neutral and non-polar, at codon 1519 of the DIP2C protein (p.Val1519Met). This variant is present in population databases (rs755001458, gnomAD 0.0009%). This variant has not been reported in the literature in individuals affected with DIP2C-related conditions. An algorithm developed to predict the effect of missense changes on protein structure and function (PolyPhen-2) suggests that this variant is likely to be disruptive. In summary, the available evidence is currently insufficient to determine the role of this variant in disease. Therefore, it has been classified as a Variant of Uncertain Significance.

NM_014974.3(DIP2C):c.4555G>A (p.Val1519Met)

Gene: DIP2C (DIP2 acetate--CoA ligase C (putative); minus strand). Cytogenetic location: 10p15.3.
Variant type: single nucleotide variant.
Coding change: c.4555G>A on transcript NM_014974.3 (MANE Select); coding-DNA position 4555, G replaced by A.
Protein change: p.Val1519Met; replaces valine 1519 with methionine.
Molecular consequence: missense variant.
Genome position (GRCh38, 1-based): chr10:277,441, C>T on the plus strand (G>A on the coding strand, the complement: DIP2C is on the minus strand). VCF-style: chr10-277441-C-T. GRCh37 (hg19) VCF-style: chr10-323381-C-T.
Other names: short protein forms V1519M.
Identifiers: ClinVar variation 3648328 (VCV003648328.2).
Genomic context (GRCh38, chr10:277,441, plus strand): 5'-GCAGGTGCATGCGCTGCTTCTCCCCACGGGAGTTGATGGGGATGACGCCGATGTCCACCA[C>T]GACCACCACTCCGACGATCAGGTAGTGCTCCTCCAGGACCACGTTGGTCACCAAGGGAAC-3'
Protein context (NP_055789.1, residues 1509-1529): EHYLIVGVVV[Val1519Met]VDIGVIPINS